The following is an entry in ClinVar:

NM_001853.4(COL9A3):c.231_239dup (p.78LPG[3])

Gene: COL9A3 (collagen type IX alpha 3 chain; plus strand). Cytogenetic location: 20q13.33.
Variant type: Duplication.
Coding change: c.231_239dup on transcript NM_001853.4 (MANE Select); coding-DNA positions 231 to 239, 9 bases duplicated (GCTGCCGGG; older notation c.231_239dupGCTGCCGGG).
Protein change: p.78LPG[3].
Molecular consequence: inframe insertion.
Genome position (GRCh38, 1-based): chr20:62,819,269-62,819,277, GCTGCCGGG duplicated; duplicating any 9 consecutive bases within chr20:62,819,267-62,819,277 gives the same sequence; the c. name uses the placement nearest the transcript's 3' end. VCF-style (leftmost placement, unchanged base first): chr20-62819266-T-TGGGCTGCCG. GRCh37 (hg19) VCF-style: chr20-61450618-T-TGGGCTGCCG.
Identifiers: ClinVar variation 1356525 (VCV001356525.8), dbSNP rs1342561807, ClinGen allele CA636332268.

ClinVar aggregate classification (germline): Uncertain significance (1 of 4 stars; one submission).

Submission:

Labcorp Genetics (formerly Invitae), Labcorp
Classification: Uncertain significance. Last evaluated: 2024-11-04. Review status: criteria provided, single submitter. Criteria: Invitae Variant Classification Sherloc (09022015). Collection method: clinical testing. Allele origin: germline.
Comment: This variant, c.231_239dup, results in the insertion of 3 amino acid(s) of the COL9A3 protein (p.Leu81_Gly83dup), but otherwise preserves the integrity of the reading frame. This variant is present in population databases (no rsID available, gnomAD 0.003%). This variant has not been reported in the literature in individuals affected with COL9A3-related conditions. ClinVar contains an entry for this variant (Variation ID: 1356525). Experimental studies and prediction algorithms are not available or were not evaluated, and the functional significance of this variant is currently unknown. In summary, the available evidence is currently insufficient to determine the role of this variant in disease. Therefore, it has been classified as a Variant of Uncertain Significance.